The following is an entry in ClinVar:

ClinVar aggregate classification (germline): Conflicting classifications of pathogenicity. Review status: criteria provided, conflicting classifications (1 of 4 stars). 5 submissions from 5 submitters: Pathogenic (1); Uncertain significance (2). 2 of the submissions do not count toward it. Last evaluated 2025-11-12.

Conditions:
Age-related macular degeneration (ARMD). Also called: MACULAR DEGENERATION, AGE-RELATED, REDUCED RISK OF. Identifiers: MedGen C0242383, MONDO:0005150.
Macular degeneration, age-related, 3 (ARMD3). Identifiers: Orphanet 280598, MedGen C1837187, MONDO:0012145, OMIM 608895.

Allele frequency attached by ClinVar (database versions not stated): gnomAD 0.00003 and 0.00004; gnomAD exomes 0.00004; ExAC 0.00005; TOPMed 0.00005.
gnomAD v4.1: 88 of 1,613,868 alleles (0.0055%); highest among the groups gnomAD compares: Non-Finnish European, 0.0067%; no homozygotes.

Submissions (5):

Labcorp Genetics (formerly Invitae), Labcorp
Classification: Uncertain significance. Last evaluated: 2025-11-12. Review status: criteria provided, single submitter. Criteria: Invitae Variant Classification Sherloc (09022015). Collection method: clinical testing. Allele origin: germline.
Comment: This sequence change replaces alanine, which is neutral and non-polar, with threonine, which is neutral and polar, at codon 363 of the FBLN5 protein (p.Ala363Thr). This variant is present in population databases (rs121434302, gnomAD 0.005%). This missense change has been observed in individual(s) with age-related macular degeneration (PMID: 15269314). ClinVar contains an entry for this variant (Variation ID: 5482). Invitae Evidence Modeling of protein sequence and biophysical properties (such as structural, functional, and spatial information, amino acid conservation, physicochemical variation, residue mobility, and thermodynamic stability) indicates that this missense variant is not expected to disrupt FBLN5 protein function with a negative predictive value of 80%. In summary, the available evidence is currently insufficient to determine the role of this variant in disease. Therefore, it has been classified as a Variant of Uncertain Significance.

Blueprint Genetics
Classification: Uncertain significance. Last evaluated: 2024-10-31. Review status: criteria provided, single submitter. Criteria: ACMG Guidelines, 2015. Collection method: clinical testing. Allele origin: germline.

Genomic Research Center, Shahid Beheshti University of Medical Sciences
Classification: Pathogenic for Macular degeneration, age-related, 3. Last evaluated: 2017-12-18. Review status: criteria provided, single submitter. Criteria: ACMG Guidelines, 2015. Collection method: clinical testing. Allele origin: inherited. Affected: yes.

Inherited Neuropathy Consortium Ii, University Of Miami
Classification: Uncertain significance. Last evaluated: 2016-01-06. Review status: no assertion criteria provided. Collection method: literature only. Allele origin: germline. Affected: yes. Not counted in ClinVar's aggregate classification.

OMIM
Classification: Pathogenic for MACULAR DEGENERATION, AGE-RELATED, 3. Last evaluated: 2004-07-22. Review status: no assertion criteria provided. Collection method: literature only. Allele origin: germline. Not counted in ClinVar's aggregate classification.

Literature cited by the submitters: PubMed 15269314 (cited by 3 submitters).

NM_006329.4(FBLN5):c.1087G>A (p.Ala363Thr)

Gene: FBLN5 (fibulin 5; minus strand). Cytogenetic location: 14q32.12.
Variant type: single nucleotide variant.
Coding change: c.1087G>A on transcript NM_006329.4 (MANE Select); coding-DNA position 1087, G replaced by A.
Protein change: p.Ala363Thr; replaces alanine 363 with threonine.
Molecular consequence: missense variant.
Genome position (GRCh38, 1-based): chr14:91,877,585, C>T on the plus strand (G>A on the coding strand, the complement: FBLN5 is on the minus strand). VCF-style: chr14-91877585-C-T. GRCh37 (hg19) VCF-style: chr14-92343929-C-T.
Other names: c.1210G>A, p.Ala404Thr (NM_001384158.1); c.1138G>A, p.Ala380Thr (NM_001384159.1); c.1087G>A, p.Ala363Thr (NM_001384160.1); c.919G>A, p.Ala307Thr (NM_001384161.1, NM_001384162.1); short protein forms A363T, A307T, A380T, A404T.
Identifiers: ClinVar variation 5482 (VCV000005482.14), dbSNP rs121434302, ClinGen allele CA213146.